The following is an entry in ClinVar:

NM_020223.4(FAM20C):c.739G>A (p.Glu247Lys)

Gene: FAM20C (FAM20C golgi associated secretory pathway kinase; plus strand). Cytogenetic location: 7p22.3.
Variant type: single nucleotide variant.
Coding change: c.739G>A on transcript NM_020223.4 (MANE Select); coding-DNA position 739, G replaced by A.
Protein change: p.Glu247Lys; replaces glutamic acid 247 with lysine.
Molecular consequence: missense variant.
Genome position (GRCh38, 1-based): chr7:195,687, G>A. VCF-style: chr7-195687-G-A. GRCh37 (hg19) VCF-style: chr7-195687-G-A.
Other names: short protein forms E247K.
Identifiers: ClinVar variation 432602 (VCV000432602.7), dbSNP rs374098657, ClinGen allele CA4108981.

ClinVar aggregate classification (germline): Uncertain significance. Review status: criteria provided, multiple submitters, no conflicts (2 of 4 stars). 2 submissions from 2 submitters: Uncertain significance (2). Last evaluated 2022-03-22.

Allele frequency attached by ClinVar (database versions not stated): gnomAD 0.00008 and 0.00017; TOPMed 0.00014; ESP Exome Variant Server 0.00016; gnomAD exomes 0.00027; ExAC 0.00037; 1000 Genomes Project 0.00060; 1000 Genomes Project 30x 0.00062.
gnomAD v4.1: 233 of 1,611,046 alleles (0.014%); highest among the groups gnomAD compares: South Asian, 0.18%; 1 homozygote.

Submissions (2):

Labcorp Genetics (formerly Invitae), Labcorp
Classification: Uncertain significance. Last evaluated: 2022-03-22. Review status: criteria provided, single submitter. Criteria: Invitae Variant Classification Sherloc (09022015). Collection method: clinical testing. Allele origin: germline.
Comment: This sequence change replaces glutamic acid, which is acidic and polar, with lysine, which is basic and polar, at codon 247 of the FAM20C protein (p.Glu247Lys). This variant is present in population databases (rs374098657, gnomAD 0.2%). This variant has not been reported in the literature in individuals affected with FAM20C-related conditions. ClinVar contains an entry for this variant (Variation ID: 432602). Algorithms developed to predict the effect of missense changes on protein structure and function (SIFT, PolyPhen-2, Align-GVGD) all suggest that this variant is likely to be tolerated. In summary, the available evidence is currently insufficient to determine the role of this variant in disease. Therefore, it has been classified as a Variant of Uncertain Significance.

GeneDx
Classification: Uncertain significance. Last evaluated: 2017-06-14. Review status: criteria provided, single submitter. Criteria: GeneDx Variant Classification (06012015). Collection method: clinical testing. Allele origin: germline. Affected: yes.
Comment: The E247K variant in the FAM20C gene has not been reported previously as a pathogenic variant, nor as a benign variant, to our knowledge. The E247K variant is observed in 34/16330 (0.2%) alleles from individuals of South Asian background, in large population cohorts (Lek et al., 2016). The E247K variant is a non-conservative amino acid substitution, which is likely to impact secondary protein structure as these residues differ in polarity, charge, size and/or other properties. This substitution occurs at a position that is not conserved. In silico analysis is inconsistent in its predictions as to whether or not the variant is damaging to the protein structure/function. We interpret E247K as a variant of uncertain significance.